The following is an entry in ClinVar:

NM_000262.3(NAGA):c.324C>A (p.Tyr108Ter)

Genes: NAGA (alpha-N-acetylgalactosaminidase; minus strand), LOC126863160 (CDK7 strongly-dependent group 2 enhancer GRCh37_chr22:42462918-42464117; plus strand). Cytogenetic location: 22q13.2.
Variant type: single nucleotide variant.
Coding change: c.324C>A on transcript NM_000262.3 (MANE Select); coding-DNA position 324, C replaced by A.
Protein change: p.Tyr108Ter; replaces tyrosine 108 with a stop codon.
Molecular consequence: nonsense.
Genome position (GRCh38, 1-based): chr22:42,067,765, G>T on the plus strand (C>A on the coding strand, the complement: NAGA is on the minus strand). VCF-style: chr22-42067765-G-T. GRCh37 (hg19) VCF-style: chr22-42463769-G-T.
Other names: c.324C>A, p.Tyr108Ter (NM_001362848.1, NM_001362850.1); short protein forms Y108*.
Identifiers: ClinVar variation 2731436 (VCV002731436.4), dbSNP rs182798205, ClinGen allele CA411769014.

ClinVar aggregate classification (germline): Pathogenic. Review status: criteria provided, multiple submitters, no conflicts (2 of 4 stars). 2 submissions from 2 submitters: Pathogenic (2). Last evaluated 2024-05-22.

Conditions:
Alpha-N-acetylgalactosaminidase deficiency. Identifiers: Orphanet 3137, MedGen C5848084, MONDO:0017779.
Alpha-N-acetylgalactosaminidase deficiency type 1. Also called: NAGA DEFICIENCY, TYPE I; NEUROAXONAL DYSTROPHY, SCHINDLER TYPE; SCHINDLER DISEASE, TYPE I; ALPHA-N-ACETYLGALACTOSAMINIDASE DEFICIENCY, TYPE I. Identifiers: Orphanet 3137, Orphanet 79279, Orphanet 79281, MedGen C1836544, MONDO:0012221, OMIM 609241.

Submissions (2):

Myriad Genetics, Inc.
Classification: Pathogenic for Alpha-N-acetylgalactosaminidase deficiency. Last evaluated: 2024-05-22. Review status: criteria provided, single submitter. Criteria: Myriad Autosomal Dominant, Autosomal Recessive and X-Linked Classification Criteria (2023). Collection method: clinical testing. Allele origin: unknown.
Comment: NM_000262.2(NAGA):c.324C>A(Y108*) is expected to be pathogenic in the context of NAGA-related disorders. This variant is predicted to lead to an abnormal or absent protein product due to the creation of a premature termination codon in NAGA, a gene where loss-of-function variants are known to be pathogenic. Please note: this variant was assessed in the context of healthy population screening.

Labcorp Genetics (formerly Invitae), Labcorp
Classification: Pathogenic for Alpha-N-acetylgalactosaminidase deficiency type 1. Last evaluated: 2023-09-12. Review status: criteria provided, single submitter. Criteria: Invitae Variant Classification Sherloc (09022015). Collection method: clinical testing. Allele origin: germline.
Comment: This variant is not present in population databases (gnomAD no frequency). For these reasons, this variant has been classified as Pathogenic. This variant has not been reported in the literature in individuals affected with NAGA-related conditions. This sequence change creates a premature translational stop signal (p.Tyr108*) in the NAGA gene. It is expected to result in an absent or disrupted protein product. Loss-of-function variants in NAGA are known to be pathogenic (PMID: 8782044, 11251574).

Literature cited by the submitters: PubMed 8782044 (cited by Labcorp Genetics (formerly Invitae), Labcorp); PubMed 11251574 (cited by Labcorp Genetics (formerly Invitae), Labcorp).